The following is an entry in ClinVar:

ClinVar aggregate classification (germline): Uncertain significance (1 of 4 stars; one submission).

Conditions:
Idiopathic generalized epilepsy. Also called: Generalised epilepsy; EIG. Identifiers: MedGen C0270850, MONDO:0005579, OMIM 600669.
Hyperaldosteronism, familial, type IV (HALD4). Also called: FH IV; ALDOSTERONISM, PRIMARY, AND HYPERTENSION. Identifiers: Orphanet 642671, MedGen C4310756, MONDO:0014875, OMIM 617027.

Allele frequency attached by ClinVar (database versions not stated): gnomAD exomes below 0.00001 and 0.00001; gnomAD 0.00001.
gnomAD v4.1: 8 of 1,607,570 alleles (0.0005%); highest among the groups gnomAD compares: Admixed American, 0.0017%; no homozygotes.

Submission:

Labcorp Genetics (formerly Invitae), Labcorp
Classification: Uncertain significance for Idiopathic generalized epilepsy; Hyperaldosteronism, familial, type IV. Last evaluated: 2021-02-17. Review status: criteria provided, single submitter. Criteria: Invitae Variant Classification Sherloc (09022015). Collection method: clinical testing. Allele origin: germline.
Comment: This sequence change affects codon 415 of the CACNA1H mRNA. It is a 'silent' change, meaning that it does not change the encoded amino acid sequence of the CACNA1H protein. This variant is not present in population databases (ExAC no frequency). This variant has not been reported in the literature in individuals with CACNA1H-related conditions. Algorithms developed to predict the effect of sequence changes on RNA splicing suggest that this variant may create or strengthen a splice site, but this prediction has not been confirmed by published transcriptional studies. In summary, the available evidence is currently insufficient to determine the role of this variant in disease. Therefore, it has been classified as a Variant of Uncertain Significance.

NM_021098.3(CACNA1H):c.1245G>A (p.Leu415=)

Gene: CACNA1H (calcium voltage-gated channel subunit alpha1 H; plus strand). Cytogenetic location: 16p13.3.
Variant type: single nucleotide variant.
Coding change: c.1245G>A on transcript NM_021098.3 (MANE Select); coding-DNA position 1245, G replaced by A.
Protein change: p.Leu415=; no amino-acid change (leucine 415 retained).
Molecular consequence: synonymous variant.
Genome position (GRCh38, 1-based): chr16:1,201,695, G>A. VCF-style: chr16-1201695-G-A. GRCh37 (hg19) VCF-style: chr16-1251695-G-A.
Other names: c.1245G>A, p.Leu415= (NM_001005407.2).
Identifiers: ClinVar variation 1493239 (VCV001493239.8), dbSNP rs1399878445, ClinGen allele CA493019794.
Genomic context (GRCh38, chr16:1,201,695, plus strand): 5'-GCCACTTACCCGCCCGCCCCCGTCACAGGTGGGCTCCTTCTTCATGATCAACCTGTGCCT[G>A]GTGGTGATTGCCACGCAGTTCTCGGAGACGAAGCAGCGGGAGAGTCAGCTGATGCGGGAG-3'
Protein context (NP_066921.2, residues 405-425): VGSFFMINLC[Leu415=]VVIATQFSET